The following is an entry in ClinVar:

ClinVar aggregate classification (germline): Uncertain significance. Review status: criteria provided, multiple submitters, no conflicts (2 of 4 stars). 2 submissions from 2 submitters: Uncertain significance (2). Last evaluated 2024-06-19.

Conditions:
Deficiency of ferroxidase (ACEP). Also called: Aceruloplasminemia; Deficiency of ceruloplasmin; Ceruloplasmin deficiency; Familial apoceruloplasmin deficiency; Hereditary ceruloplasmin deficiency; NEURODEGENERATION WITH BRAIN IRON ACCUMULATION 10. Identifiers: Orphanet 48818, MedGen C0878682, MONDO:0011426, OMIM 604290, HP:0025498.

gnomAD v4.1: 6 of 1,613,296 alleles (0.00037%); highest among the groups gnomAD compares: Non-Finnish European, 0.00051%; no homozygotes.

Submissions (2):

Mayo Clinic Laboratories, Mayo Clinic
Classification: Uncertain significance. Last evaluated: 2024-06-19. Review status: criteria provided, single submitter. Criteria: ACMG Guidelines, 2015. Collection method: clinical testing. Allele origin: germline. Observed: 1 variant allele.
Comment: PM2

Labcorp Genetics (formerly Invitae), Labcorp
Classification: Uncertain significance for Deficiency of ferroxidase. Last evaluated: 2022-01-18. Review status: criteria provided, single submitter. Criteria: Invitae Variant Classification Sherloc (09022015). Collection method: clinical testing. Allele origin: germline.
Comment: In summary, the available evidence is currently insufficient to determine the role of this variant in disease. Therefore, it has been classified as a Variant of Uncertain Significance. Advanced modeling of protein sequence and biophysical properties (such as structural, functional, and spatial information, amino acid conservation, physicochemical variation, residue mobility, and thermodynamic stability) performed at Invitae indicates that this missense variant is expected to disrupt CP protein function. This variant has not been reported in the literature in individuals affected with CP-related conditions. This variant is not present in population databases (gnomAD no frequency). This sequence change replaces leucine, which is neutral and non-polar, with arginine, which is basic and polar, at codon 914 of the CP protein (p.Leu914Arg).

NM_000096.4(CP):c.2741T>G (p.Leu914Arg)

Gene: CP (ceruloplasmin; minus strand). Cytogenetic location: 3q24.
Variant type: single nucleotide variant.
Coding change: c.2741T>G on transcript NM_000096.4 (MANE Select); coding-DNA position 2741, T replaced by G.
Protein change: p.Leu914Arg; replaces leucine 914 with arginine.
Molecular consequence: missense variant. On other transcripts: non-coding transcript variant (1).
Genome position (GRCh38, 1-based): chr3:149,178,552, A>C on the plus strand (T>G on the coding strand, the complement: CP is on the minus strand). VCF-style: chr3-149178552-A-C. GRCh37 (hg19) VCF-style: chr3-148896339-A-C.
Other names: p.Leu914Arg; short protein forms L914R.
Identifiers: ClinVar variation 2192691 (VCV002192691.5), dbSNP rs147434775, ClinGen allele CA354929731.